The following is an entry in ClinVar:

NC_000009.11:g.(?_131016913)_(131016993_?)del

Gene: DNM1 (dynamin 1; plus strand). Cytogenetic location: 9q34.11.
Variant type: Deletion.
Identifiers: ClinVar variation 3245260 (VCV003245260.1).

ClinVar aggregate classification (germline): Uncertain significance (1 of 4 stars; one submission).

Conditions:
Developmental and epileptic encephalopathy, 31A. Also called: Epileptic encephalopathy, early infantile, 31; Developmental and epileptic encephalopathy, 31. Identifiers: Orphanet 2382, MedGen C4225357, MONDO:0014598, OMIM 616346.

Submission:

Labcorp Genetics (formerly Invitae), Labcorp
Classification: Uncertain significance for Developmental and epileptic encephalopathy, 31A. Last evaluated: 2022-12-27. Review status: criteria provided, single submitter. Criteria: Invitae Variant Classification Sherloc (09022015). Collection method: clinical testing. Allele origin: unknown.
Comment: This variant is a gross deletion of the genomic region encompassing exon(s) 22 of the DNM1 gene, which includes the termination codon. This deletion extends beyond the assayed region for this gene and therefore may encompass additional genes. While this deletion is not anticipated to lead to nonsense mediated decay, it is expected to alter mRNA translation or result in a truncated protein product. In summary, the available evidence is currently insufficient to determine the role of this variant in disease. Therefore, it has been classified as a Variant of Uncertain Significance. Experimental studies and prediction algorithms are not available or were not evaluated, and the functional significance of this variant is currently unknown. This variant has not been reported in the literature in individuals affected with DNM1-related conditions.